The following is an entry in ClinVar:

NM_006516.4(SLC2A1):c.726G>A (p.Gln242=)

Gene: SLC2A1 (solute carrier family 2 member 1; minus strand). Cytogenetic location: 1p34.2.
Variant type: single nucleotide variant.
Coding change: c.726G>A on transcript NM_006516.4 (MANE Select); coding-DNA position 726, G replaced by A.
Protein change: p.Gln242=; no amino-acid change (glutamine 242 retained).
Molecular consequence: synonymous variant.
Genome position (GRCh38, 1-based): chr1:42,929,734, C>T on the plus strand (G>A on the coding strand, the complement: SLC2A1 is on the minus strand). VCF-style: chr1-42929734-C-T. GRCh37 (hg19) VCF-style: chr1-43395405-C-T.
Identifiers: ClinVar variation 702877 (VCV000702877.43), dbSNP rs1570592618, ClinGen allele CA417543420.

ClinVar aggregate classification (germline): Conflicting classifications of pathogenicity. Review status: criteria provided, conflicting classifications (1 of 4 stars). 3 submissions from 3 submitters: Uncertain significance (2); Likely benign (1). Last evaluated 2025-05-08.

Conditions:
GLUT1 deficiency syndrome 1, autosomal recessive. Identifiers: MedGen C3149117.

Allele frequency attached by ClinVar (database versions not stated): gnomAD exomes below 0.00001; TOPMed below 0.00001.
gnomAD v4.1: 7 of 1,614,170 alleles (0.00043%); highest among the groups gnomAD compares: Non-Finnish European, 0.00059%; no homozygotes.

Submissions (3):

Labcorp Genetics (formerly Invitae), Labcorp
Classification: Likely benign for GLUT1 deficiency syndrome 1, autosomal recessive. Last evaluated: 2025-05-08. Review status: criteria provided, single submitter. Criteria: Invitae Variant Classification Sherloc (09022015). Collection method: clinical testing. Allele origin: germline.

GeneDx
Classification: Uncertain significance. Last evaluated: 2025-04-28. Review status: criteria provided, single submitter. Criteria: GeneDx Variant Classification Process June 2021. Collection method: clinical testing. Allele origin: germline. Affected: yes.
Comment: Not observed at significant frequency in large population cohorts (gnomAD); Has not been previously published as pathogenic or benign to our knowledge; In silico analysis is inconclusive as to whether the variant alters gene splicing. In the absence of RNA/functional studies, the actual effect of this sequence change is unknown.

CeGaT Center for Human Genetics Tuebingen
Classification: Uncertain significance. Last evaluated: 2022-01-01. Review status: criteria provided, single submitter. Criteria: CeGaT Center For Human Genetics Tuebingen Variant Classification Criteria Version 2. Collection method: clinical testing. Allele origin: germline. Affected: yes. Observed: 1 variant allele.